The following is an entry in ClinVar:

ClinVar aggregate classification (germline): Uncertain significance (1 of 4 stars; one submission).

Conditions:
Fanconi anemia complementation group O. Also called: RAD51C-Related Fanconi Anemia. Identifiers: Orphanet 84, MedGen C3150653, MONDO:0013248, OMIM 613390.

Submission:

Labcorp Genetics (formerly Invitae), Labcorp
Classification: Uncertain significance for Fanconi anemia complementation group O. Last evaluated: 2025-04-13. Review status: criteria provided, single submitter. Criteria: Invitae Variant Classification Sherloc (09022015). Collection method: clinical testing. Allele origin: germline.
Comment: This sequence change replaces histidine, which is basic and polar, with glutamine, which is neutral and polar, at codon 307 of the RAD51C protein (p.His307Gln). This variant is not present in population databases (gnomAD no frequency). This variant has not been reported in the literature in individuals affected with RAD51C-related conditions. ClinVar contains an entry for this variant (Variation ID: 1491316). Invitae Evidence Modeling of protein sequence and biophysical properties (such as structural, functional, and spatial information, amino acid conservation, physicochemical variation, residue mobility, and thermodynamic stability) has been performed for this missense variant. However, the output from this modeling did not meet the statistical confidence thresholds required to predict the impact of this variant on RAD51C protein function. In summary, the available evidence is currently insufficient to determine the role of this variant in disease. Therefore, it has been classified as a Variant of Uncertain Significance.

NM_058216.3(RAD51C):c.921T>A (p.His307Gln)

Gene: RAD51C (RAD51 paralog C; plus strand). Cytogenetic location: 17q22.
Variant type: single nucleotide variant.
Coding change: c.921T>A on transcript NM_058216.3 (MANE Select); coding-DNA position 921, T replaced by A.
Protein change: p.His307Gln; replaces histidine 307 with glutamine.
Molecular consequence: missense variant. On other transcripts: non-coding transcript variant (1).
Genome position (GRCh38, 1-based): chr17:58,724,056, T>A. VCF-style: chr17-58724056-T-A. GRCh37 (hg19) VCF-style: chr17-56801417-T-A.
Other names: short protein forms H307Q.
Identifiers: ClinVar variation 1491316 (VCV001491316.6), dbSNP rs2143961779, ClinGen allele CA400361343.